The following is an entry in ClinVar:

ClinVar aggregate classification (germline): Conflicting classifications of pathogenicity. Review status: criteria provided, conflicting classifications (1 of 4 stars). 6 submissions from 6 submitters: Uncertain significance (5); Benign (1). Last evaluated 2025-12-02.

Conditions:
Inborn genetic diseases. Identifiers: MedGen C0950123, MeSH D030342.
Malignant hyperthermia, susceptibility to, 5 (MHS5). Also called: CACNA1S-Related Malignant Hyperthermia Susceptibility. Identifiers: Orphanet 423, MedGen C1866077, MONDO:0011163, OMIM 601887.
Hypokalemic periodic paralysis, type 1. Also called: Hypokalemic Periodic Paralysis Type 1 (AD); HypoPP. Identifiers: Orphanet 681, MedGen C3714580, MONDO:0042979, OMIM 170400.
Thyrotoxic periodic paralysis, susceptibility to, 1 (TTPP1). Identifiers: Orphanet 79102, MedGen C2749982, MONDO:0008570, OMIM 188580.
Congenital myopathy 18. Also called: Myopathy, congenital, due to dihydropyridine receptor defect; DHPR CONGENITAL MYOPATHY; DIHYDROPYRIDINE RECEPTOR CONGENITAL MYOPATHY. Identifiers: MedGen C5830283, MONDO:0859514, OMIM 620246.
CACNA1S-related disorder. Also called: CACNA1S-related condition.

Allele frequency attached by ClinVar (database versions not stated): ESP Exome Variant Server 0.00023; gnomAD exomes 0.00005 and 0.00011; TOPMed 0.00005; gnomAD 0.00006; ExAC 0.00016.
gnomAD v4.1: 76 of 1,613,984 alleles (0.0047%); highest among the groups gnomAD compares: South Asian, 0.024%; no homozygotes.

Submissions (6):

Labcorp Genetics (formerly Invitae), Labcorp
Classification: Benign for Hypokalemic periodic paralysis, type 1; Malignant hyperthermia, susceptibility to, 5. Last evaluated: 2025-12-02. Review status: criteria provided, single submitter. Criteria: Invitae Variant Classification Sherloc (09022015). Collection method: clinical testing. Allele origin: germline.

PreventionGenetics, part of Exact Sciences
Classification: Uncertain significance for CACNA1S-related condition. Last evaluated: 2025-04-04. Review status: criteria provided, single submitter. Criteria: ACMG Guidelines, 2015. Collection method: clinical testing. Allele origin: germline.
Comment: The CACNA1S c.3406G>A variant is predicted to result in the amino acid substitution p.Gly1136Ser. To our knowledge, this variant has not been reported in the literature. This variant is reported in 0.026% of alleles in individuals of South Asian descent in gnomAD. At this time, the clinical significance of this variant is uncertain due to the absence of conclusive functional and genetic evidence.

All of Us Research Program, National Institutes of Health
Classification: Uncertain significance for Malignant hyperthermia, susceptibility to, 5. Last evaluated: 2024-09-23. Review status: criteria provided, single submitter. Criteria: ACMG Guidelines, 2015. Collection method: clinical testing. Allele origin: germline. Inheritance: Autosomal dominant inheritance. Observed: 19 variant alleles, 19 heterozygotes.
Comment: This missense variant replaces glycine with serine at codon 1136 of the CACNA1S protein. Computational prediction suggests that this variant may have deleterious impact on protein structure and function (internally defined REVEL score threshold >= 0.7, PMID: 27666373). To our knowledge, functional studies have not been reported for this variant. This variant has not been reported in individuals affected with CACNA1S-related disorders in the literature. This variant has been identified in 32/282872 chromosomes in the general population by the Genome Aggregation Database (gnomAD). The available evidence is insufficient to determine the role of this variant in disease conclusively. Therefore, this variant is classified as a Variant of Uncertain Significance.

This study involves interpretation of variants in research participants for the purpose of population health screening. Participant phenotype was not available at the time of variant classification. Additional details can be found in publication PMID: 35346344, PMCID: PMC8962531

Fulgent Genetics
Classification: Uncertain significance for Hypokalemic periodic paralysis, type 1; Thyrotoxic periodic paralysis, susceptibility to, 1; Malignant hyperthermia, susceptibility to, 5; Congenital myopathy 18. Last evaluated: 2024-06-10. Review status: criteria provided, single submitter. Criteria: ACMG Guidelines, 2015. Collection method: clinical testing. Allele origin: germline.

Color Diagnostics, LLC DBA Color Health
Classification: Uncertain significance for Malignant hyperthermia, susceptibility to, 5. Last evaluated: 2023-11-22. Review status: criteria provided, single submitter. Criteria: ACMG Guidelines, 2015. Collection method: clinical testing. Allele origin: germline.
Comment: This missense variant replaces glycine with serine at codon 1136 of the CACNA1S protein. Computational prediction suggests that this variant may have deleterious impact on protein structure and function. To our knowledge, functional studies have not been reported for this variant. This variant has not been reported in individuals affected with CACNA1S-related disorders in the literature. This variant has been identified in 32/282872 chromosomes in the general population by the Genome Aggregation Database (gnomAD). The available evidence is insufficient to determine the role of this variant in disease conclusively. Therefore, this variant is classified as a Variant of Uncertain Significance.

Ambry Genetics
Classification: Uncertain significance for Inborn genetic diseases. Last evaluated: 2022-10-25. Review status: criteria provided, single submitter. Criteria: Ambry Variant Classification Scheme 2023. Collection method: clinical testing. Allele origin: germline.

NM_000069.3(CACNA1S):c.3406G>A (p.Gly1136Ser)

Gene: CACNA1S (calcium voltage-gated channel subunit alpha1 S; minus strand). Cytogenetic location: 1q32.1.
Variant type: single nucleotide variant.
Coding change: c.3406G>A on transcript NM_000069.3 (MANE Select); coding-DNA position 3406, G replaced by A.
Protein change: p.Gly1136Ser; replaces glycine 1136 with serine.
Molecular consequence: missense variant.
Genome position (GRCh38, 1-based): chr1:201,060,666, C>T on the plus strand (G>A on the coding strand, the complement: CACNA1S is on the minus strand). VCF-style: chr1-201060666-C-T. GRCh37 (hg19) VCF-style: chr1-201029794-C-T.
Other names: short protein forms G1136S.
Identifiers: ClinVar variation 566678 (VCV000566678.17), dbSNP rs145039828, ClinGen allele CA079656.
Genomic context (GRCh38, chr1:201,060,666, plus strand): 5'-CAAGGCCCAGGTCCCAGTCTGATCAGACATTTTTCTCCTGGGGAGCCCTTACCTGCATGC[C>T]GAGGCAGATGGTGTTGAGCATGATGAGGGCAAACATCAGGTATTCAAAGTAGGAGGAGGT-3'
Protein context (NP_000060.2, residues 1126-1146): ALIMLNTICL[Gly1136Ser]MQHYNQSEQM